The following is an entry in ClinVar:

NM_004259.7(RECQL5):c.1224A>G (p.Glu408=)

Gene: RECQL5 (RecQ like helicase 5; minus strand). Cytogenetic location: 17q25.1.
Variant type: single nucleotide variant.
Coding change: c.1224A>G on transcript NM_004259.7 (MANE Select); coding-DNA position 1224, A replaced by G.
Protein change: p.Glu408=; no amino-acid change (glutamic acid 408 retained).
Molecular consequence: synonymous variant.
Genome position (GRCh38, 1-based): chr17:75,651,191, T>C on the plus strand (A>G on the coding strand, the complement: RECQL5 is on the minus strand). VCF-style: chr17-75651191-T-C. GRCh37 (hg19) VCF-style: chr17-73647271-T-C.
Other names: c.1224A>G, p.Glu408= (NM_001003715.4, NM_001003716.4).
Identifiers: ClinVar variation 3351093 (VCV003351093.1).

ClinVar aggregate classification (germline): Likely benign (0 of 4 stars; one submission).

Conditions:
RECQL5-related disorder. Also called: RECQL5-related condition.

gnomAD v4.1: 19 of 1,614,070 alleles (0.0012%); highest among the groups gnomAD compares: African/African-American, 0.024%; no homozygotes.

Submission:

PreventionGenetics, part of Exact Sciences
Classification: Likely benign for RECQL5-related condition. Last evaluated: 2024-08-29. Review status: no assertion criteria provided. Collection method: clinical testing. Allele origin: germline.
Comment: This variant is classified as likely benign based on ACMG/AMP sequence variant interpretation guidelines (Richards et al. 2015 PMID: 25741868, with internal and published modifications).